The following is an entry in ClinVar:

ClinVar aggregate classification (germline): Uncertain significance (1 of 4 stars; one submission).

Conditions:
RASopathy. Also called: Noonan spectrum disorder; rasopathies. Identifiers: Orphanet 536391, MedGen C5555857, MONDO:0021060.

Allele frequency attached by ClinVar (database versions not stated): TOPMed below 0.00001; gnomAD 0.00001.
gnomAD v4.1: 1 of 1,612,980 alleles (0.000062%); highest among the groups gnomAD compares: African/African-American, 0.0013%; no homozygotes.

Submission:

Labcorp Genetics (formerly Invitae), Labcorp
Classification: Uncertain significance for RASopathy. Last evaluated: 2024-06-05. Review status: criteria provided, single submitter. Criteria: Invitae Variant Classification Sherloc (09022015). Collection method: clinical testing. Allele origin: germline.
Comment: This sequence change replaces aspartic acid, which is acidic and polar, with tyrosine, which is neutral and polar, at codon 10 of the SHOC2 protein (p.Asp10Tyr). This variant is not present in population databases (gnomAD no frequency). This variant has not been reported in the literature in individuals affected with SHOC2-related conditions. ClinVar contains an entry for this variant (Variation ID: 1914478). An algorithm developed to predict the effect of missense changes on protein structure and function (PolyPhen-2) suggests that this variant is likely to be disruptive. In summary, the available evidence is currently insufficient to determine the role of this variant in disease. Therefore, it has been classified as a Variant of Uncertain Significance.

NM_007373.4(SHOC2):c.28G>T (p.Asp10Tyr)

Gene: SHOC2 (SHOC2 leucine rich repeat scaffold protein; plus strand). Cytogenetic location: 10q25.2.
Variant type: single nucleotide variant.
Coding change: c.28G>T on transcript NM_007373.4 (MANE Select); coding-DNA position 28, G replaced by T.
Protein change: p.Asp10Tyr; replaces aspartic acid 10 with tyrosine.
Molecular consequence: missense variant.
Genome position (GRCh38, 1-based): chr10:110,964,386, G>T. VCF-style: chr10-110964386-G-T. GRCh37 (hg19) VCF-style: chr10-112724144-G-T.
Other names: c.28G>T, p.Asp10Tyr (NM_001269039.3, NM_001324336.2, NM_001324337.2); short protein forms D10Y.
Identifiers: ClinVar variation 1914478 (VCV001914478.5), dbSNP rs1392683472, ClinGen allele CA378380385.